The following is an entry in ClinVar:

ClinVar aggregate classification (germline): Uncertain significance (1 of 4 stars; one submission).

Conditions:
Fanconi anemia complementation group E (FANCE). Also called: FANCE-Related Fanconi Anemia. Identifiers: Orphanet 84, MedGen C3160739, MONDO:0010953, OMIM 600901.

Submission:

Labcorp Genetics (formerly Invitae), Labcorp
Classification: Uncertain significance for Fanconi anemia complementation group E. Last evaluated: 2020-11-11. Review status: criteria provided, single submitter. Criteria: Invitae Variant Classification Sherloc (09022015). Collection method: clinical testing. Allele origin: germline.
Comment: In summary, the available evidence is currently insufficient to determine the role of this variant in disease. Therefore, it has been classified as a Variant of Uncertain Significance. Algorithms developed to predict the effect of missense changes on protein structure and function are either unavailable or do not agree on the potential impact of this missense change (SIFT: "Tolerated"; PolyPhen-2: "Probably Damaging"; Align-GVGD: "Class C0"). This variant has not been reported in the literature in individuals with FANCE-related conditions. This variant is not present in population databases (ExAC no frequency). This sequence change replaces leucine with proline at codon 382 of the FANCE protein (p.Leu382Pro). The leucine residue is moderately conserved and there is a moderate physicochemical difference between leucine and proline.

NM_021922.3(FANCE):c.1145T>C (p.Leu382Pro)

Gene: FANCE (FA complementation group E; plus strand). Cytogenetic location: 6p21.31.
Variant type: single nucleotide variant.
Coding change: c.1145T>C on transcript NM_021922.3 (MANE Select); coding-DNA position 1145, T replaced by C.
Protein change: p.Leu382Pro; replaces leucine 382 with proline.
Molecular consequence: missense variant.
Genome position (GRCh38, 1-based): chr6:35,459,362, T>C. VCF-style: chr6-35459362-T-C. GRCh37 (hg19) VCF-style: chr6-35427139-T-C.
Other names: short protein forms L382P.
Identifiers: ClinVar variation 1401229 (VCV001401229.6), dbSNP rs2150896332, ClinGen allele CA363776403.